The following is an entry in ClinVar:

NM_002335.4(LRP5):c.4241G>A (p.Arg1414His)

Gene: LRP5 (LDL receptor related protein 5; plus strand). Cytogenetic location: 11q13.2.
Variant type: single nucleotide variant.
Coding change: c.4241G>A on transcript NM_002335.4 (MANE Select); coding-DNA position 4241, G replaced by A.
Protein change: p.Arg1414His; replaces arginine 1414 with histidine.
Molecular consequence: missense variant.
Genome position (GRCh38, 1-based): chr11:68,438,575, G>A. VCF-style: chr11-68438575-G-A. GRCh37 (hg19) VCF-style: chr11-68206043-G-A.
Other names: c.2498G>A, p.Arg833His (NM_001291902.2); short protein forms R1414H, R833H.
Identifiers: ClinVar variation 4690812 (VCV004690812.2).

ClinVar aggregate classification (germline): Uncertain significance. Review status: criteria provided, multiple submitters, no conflicts (2 of 4 stars). 2 submissions from 2 submitters: Uncertain significance (2). Last evaluated 2025-05-26.

gnomAD v4.1: 18 of 1,614,122 alleles (0.0011%); highest among the groups gnomAD compares: East Asian, 0.0045%; no homozygotes.

Submissions (2):

Labcorp Genetics (formerly Invitae), Labcorp
Classification: Uncertain significance. Last evaluated: 2025-05-26. Review status: criteria provided, single submitter. Criteria: Invitae Variant Classification Sherloc (09022015). Collection method: clinical testing. Allele origin: germline.
Comment: This sequence change replaces arginine, which is basic and polar, with histidine, which is basic and polar, at codon 1414 of the LRP5 protein (p.Arg1414His). This variant is present in population databases (rs573492210, gnomAD 0.005%). This missense change has been observed in individual(s) with chronic non-bacterial osteomyelitis (PMID: 35422809). Invitae Evidence Modeling of protein sequence and biophysical properties (such as structural, functional, and spatial information, amino acid conservation, physicochemical variation, residue mobility, and thermodynamic stability) indicates that this missense variant is not expected to disrupt LRP5 protein function with a negative predictive value of 95%. In summary, the available evidence is currently insufficient to determine the role of this variant in disease. Therefore, it has been classified as a Variant of Uncertain Significance.

Blueprint Genetics
Classification: Uncertain significance. Last evaluated: 2019-07-04. Review status: criteria provided, single submitter. Criteria: ACMG Guidelines, 2015. Collection method: clinical testing. Allele origin: germline.

Literature cited by the submitters: PubMed 35422809 (cited by Labcorp Genetics (formerly Invitae), Labcorp).